The following is an entry in ClinVar:

ClinVar aggregate classification (germline): Uncertain significance. Review status: criteria provided, multiple submitters, no conflicts (2 of 4 stars). 2 submissions from 2 submitters: Uncertain significance (2). Last evaluated 2024-04-25.

Allele frequency attached by ClinVar (database versions not stated): gnomAD exomes 0.00001; ExAC 0.00004; TOPMed 0.00005; gnomAD 0.00006; ESP Exome Variant Server 0.00008.
gnomAD v4.1: 26 of 1,603,782 alleles (0.0016%); highest among the groups gnomAD compares: East Asian, 0.022%; no homozygotes.

Submissions (2):

Labcorp Genetics (formerly Invitae), Labcorp
Classification: Uncertain significance. Last evaluated: 2024-04-25. Review status: criteria provided, single submitter. Criteria: Invitae Variant Classification Sherloc (09022015). Collection method: clinical testing. Allele origin: germline.
Comment: This sequence change replaces valine, which is neutral and non-polar, with isoleucine, which is neutral and non-polar, at codon 1098 of the ADGRB2 protein (p.Val1098Ile). This variant is present in population databases (rs149102471, gnomAD 0.02%). This variant has not been reported in the literature in individuals affected with ADGRB2-related conditions. ClinVar contains an entry for this variant (Variation ID: 2523470). An algorithm developed to predict the effect of missense changes on protein structure and function (PolyPhen-2) suggests that this variant is likely to be tolerated. In summary, the available evidence is currently insufficient to determine the role of this variant in disease. Therefore, it has been classified as a Variant of Uncertain Significance.

Ambry Genetics
Classification: Uncertain significance. Last evaluated: 2023-03-28. Review status: criteria provided, single submitter. Criteria: Ambry Variant Classification Scheme 2023. Collection method: clinical testing. Allele origin: germline.

NM_001364857.2(ADGRB2):c.3292G>A (p.Val1098Ile)

Gene: ADGRB2 (adhesion G protein-coupled receptor B2; minus strand). Cytogenetic location: 1p35.2.
Variant type: single nucleotide variant.
Coding change: c.3292G>A on transcript NM_001364857.2 (MANE Select); coding-DNA position 3292, G replaced by A.
Protein change: p.Val1098Ile; replaces valine 1098 with isoleucine.
Molecular consequence: missense variant.
Genome position (GRCh38, 1-based): chr1:31,735,641, C>T on the plus strand (G>A on the coding strand, the complement: ADGRB2 is on the minus strand). VCF-style: chr1-31735641-C-T. GRCh37 (hg19) VCF-style: chr1-32201242-C-T.
Other names: c.3292G>A, p.Val1098Ile (NM_001294335.2, NM_001294336.2, NM_001703.2); short protein forms V1098I.
Identifiers: ClinVar variation 2523470 (VCV002523470.4), dbSNP rs149102471, ClinGen allele CA735367.
Genomic context (GRCh38, chr1:31,735,641, plus strand): 5'-CGGCCCTCTGCTTCTTGGATTTGTCGGAGATGCCATCACGTGCCATGAGCTTGTTGAAGA[C>T]GATGATTCCGATGAGCATGTTCACCTGGGGGCCCAGTAGAGTGGAGTGGGGGAGACAGGA-3'
Protein context (NP_001351786.1, residues 1088-1108): VLVNMLIGII[Val1098Ile]FNKLMARDGI